The following is an entry in ClinVar:

NM_001267550.2(TTN):c.76949C>A (p.Ala25650Asp)

Genes: TTN-AS1 (TTN antisense RNA 1; plus strand), TTN (titin; minus strand). Cytogenetic location: 2q31.2.
Variant type: single nucleotide variant.
Coding change: c.76949C>A on transcript NM_001267550.2 (MANE Select); coding-DNA position 76949, C replaced by A.
Protein change: p.Ala25650Asp; replaces alanine 25650 with aspartic acid.
Molecular consequence: missense variant.
Genome position (GRCh38, 1-based): chr2:178,569,183, G>T on the plus strand (C>A on the coding strand, the complement: TTN is on the minus strand). VCF-style: chr2-178569183-G-T. GRCh37 (hg19) VCF-style: chr2-179433910-G-T.
Other names: c.72026C>A, p.Ala24009Asp (NM_001256850.1); c.49754C>A, p.Ala16585Asp (NM_003319.4); c.69245C>A, p.Ala23082Asp (NM_133378.4); c.50129C>A, p.Ala16710Asp (NM_133432.3); c.50330C>A, p.Ala16777Asp (NM_133437.4); short protein forms A23082D, A24009D, A25650D, A16710D, A16585D, A16777D.
Identifiers: ClinVar variation 284063 (VCV000284063.20), dbSNP rs886042780, ClinGen allele CA10604676.

ClinVar aggregate classification (germline): Uncertain significance. Review status: criteria provided, multiple submitters, no conflicts (2 of 4 stars). 3 submissions from 3 submitters: Uncertain significance (3). Last evaluated 2025-02-01.

Conditions:
Myopathy, myofibrillar, 9, with early respiratory failure (MFM9). Also called: EDSTROM MYOPATHY; MYOPATHY, PROXIMAL, WITH EARLY RESPIRATORY MUSCLE INVOLVEMENT; Hereditary myopathy with early respiratory failure; Myopathy, distal, with early respiratory failure, autosomal dominant. Identifiers: Orphanet 178464, Orphanet 34521, MedGen C1863599, MONDO:0011362, OMIM 603689.
Hypertrophic cardiomyopathy 9. Also called: Familial hypertrophic cardiomyopathy 9. Identifiers: MedGen C1861065, MONDO:0013412, OMIM 613765.
Autosomal recessive limb-girdle muscular dystrophy type 2J (LGMDR10). Also called: Limb-girdle muscular dystrophy, type 2J; MUSCULAR DYSTROPHY, LIMB-GIRDLE, AUTOSOMAL RECESSIVE 10. Identifiers: Orphanet 140922, MedGen C1837342, MONDO:0012127, OMIM 608807.
Tibial muscular dystrophy (TMD). Also called: Udd Distal Myopathy – Tibial Muscular Dystrophy; UDD MYOPATHY; Tibial muscular dystrophy, tardive. Identifiers: Orphanet 609, MedGen C1838244, MONDO:0010870, OMIM 600334.
Dilated cardiomyopathy 1G (CMD1G). Identifiers: Orphanet 154, MedGen C1858763, MONDO:0011400, OMIM 604145.
Early-onset myopathy with fatal cardiomyopathy (CMYO5). Also called: Salih Myopathy; CONGENITAL MYOPATHY 5 WITH CARDIOMYOPATHY. Identifiers: Orphanet 289377, MedGen C2673677, MONDO:0012714, OMIM 611705. Disease mechanism: loss of function.

Allele frequency attached by ClinVar (database versions not stated): gnomAD exomes below 0.00001 and 0.00001; TOPMed below 0.00001; gnomAD 0.00001.
gnomAD v4.1: 14 of 1,611,674 alleles (0.00087%); highest among the groups gnomAD compares: African/African-American, 0.0013%; no homozygotes.

Submissions (3):

CeGaT Center for Human Genetics Tuebingen
Classification: Uncertain significance. Last evaluated: 2025-02-01. Review status: criteria provided, single submitter. Criteria: CeGaT Center For Human Genetics Tuebingen Variant Classification Criteria Version 2. Collection method: clinical testing. Allele origin: germline. Affected: yes. Observed: 1 variant allele.
Comment: TTN: PM2

Fulgent Genetics
Classification: Uncertain significance for Tibial muscular dystrophy; Myopathy, myofibrillar, 9, with early respiratory failure; Dilated cardiomyopathy 1G; Autosomal recessive limb-girdle muscular dystrophy type 2J; Early-onset myopathy with fatal cardiomyopathy; Hypertrophic cardiomyopathy 9. Last evaluated: 2024-05-13. Review status: criteria provided, single submitter. Criteria: ACMG Guidelines, 2015. Collection method: clinical testing. Allele origin: germline.

Eurofins Ntd Llc (ga)
Classification: Uncertain significance. Last evaluated: 2015-10-07. Review status: criteria provided, single submitter. Criteria: EGL Classification Definitions 2015. Collection method: clinical testing. Allele origin: germline. Observed: 1 variant allele, 1 heterozygote.